The following is an entry in ClinVar:

NM_173660.5(DOK7):c.1226G>A (p.Arg409His)

Gene: DOK7 (docking protein 7; plus strand). Cytogenetic location: 4p16.3.
Variant type: single nucleotide variant.
Coding change: c.1226G>A on transcript NM_173660.5 (MANE Select); coding-DNA position 1226, G replaced by A.
Protein change: p.Arg409His; replaces arginine 409 with histidine.
Molecular consequence: missense variant. On other transcripts: 3 prime UTR variant (1).
Genome position (GRCh38, 1-based): chr4:3,493,212, G>A. VCF-style: chr4-3493212-G-A. GRCh37 (hg19) VCF-style: chr4-3494939-G-A.
Other names: c.*447G>A (NM_001164673.2); c.296G>A, p.Arg99His (NM_001256896.2); c.1226G>A, p.Arg409His (NM_001301071.2); c.794G>A, p.Arg265His (NM_001363811.2); short protein forms R265H, R409H, R99H.
Identifiers: ClinVar variation 862258 (VCV000862258.11), dbSNP rs377528603, ClinGen allele CA2829417.

ClinVar aggregate classification (germline): Uncertain significance. Review status: criteria provided, multiple submitters, no conflicts (2 of 4 stars). 4 submissions from 4 submitters: Uncertain significance (4). Last evaluated 2025-08-21.

Conditions:
Congenital myasthenic syndrome 10. Also called: Myasthenia, limb-girdle, familial. Identifiers: Orphanet 590, MedGen C1850792, MONDO:0009690, OMIM 254300.
Fetal akinesia deformation sequence 3. Identifiers: MedGen C4760599, MONDO:0100103, OMIM 618389.
Inborn genetic diseases. Identifiers: MedGen C0950123, MeSH D030342.
Fetal akinesia deformation sequence 1 (FADS1). Also called: Fetal akinesia sequence; Pena-Shokeir syndrome type I. Identifiers: Orphanet 994, MedGen C1276035, MONDO:0100101, OMIM 208150, HP:0001989.

Allele frequency attached by ClinVar (database versions not stated): gnomAD 0.00002 and 0.00004; TOPMed 0.00004; ESP Exome Variant Server 0.00008; ExAC 0.00012; 1000 Genomes Project 0.00020; 1000 Genomes Project 30x 0.00062.
gnomAD v4.1: 84 of 1,611,664 alleles (0.0052%); highest among the groups gnomAD compares: South Asian, 0.044%; 1 homozygote.

Submissions (4):

Ambry Genetics
Classification: Uncertain significance for Inborn genetic diseases. Last evaluated: 2025-08-21. Review status: criteria provided, single submitter. Criteria: Ambry Variant Classification Scheme 2023. Collection method: clinical testing. Allele origin: germline.

Revvity Omics, Revvity
Classification: Uncertain significance. Last evaluated: 2024-04-17. Review status: criteria provided, single submitter. Criteria: ACMG Guidelines, 2015. Collection method: clinical testing. Allele origin: germline.

Labcorp Genetics (formerly Invitae), Labcorp
Classification: Uncertain significance for Congenital myasthenic syndrome 10; Fetal akinesia deformation sequence 1. Last evaluated: 2024-03-30. Review status: criteria provided, single submitter. Criteria: Invitae Variant Classification Sherloc (09022015). Collection method: clinical testing. Allele origin: germline.
Comment: This sequence change replaces arginine, which is basic and polar, with histidine, which is basic and polar, at codon 409 of the DOK7 protein (p.Arg409His). This variant is present in population databases (rs377528603, gnomAD 0.03%). This variant has not been reported in the literature in individuals affected with DOK7-related conditions. ClinVar contains an entry for this variant (Variation ID: 862258). Advanced modeling of protein sequence and biophysical properties (such as structural, functional, and spatial information, amino acid conservation, physicochemical variation, residue mobility, and thermodynamic stability) performed at Invitae indicates that this missense variant is expected to disrupt DOK7 protein function with a positive predictive value of 80%. In summary, the available evidence is currently insufficient to determine the role of this variant in disease. Therefore, it has been classified as a Variant of Uncertain Significance.

Fulgent Genetics
Classification: Uncertain significance for Congenital myasthenic syndrome 10; Fetal akinesia deformation sequence 3. Last evaluated: 2022-04-07. Review status: criteria provided, single submitter. Criteria: ACMG Guidelines, 2015. Collection method: clinical testing. Allele origin: unknown.